The following is an entry in ClinVar:

ClinVar aggregate classification (germline): Likely benign (1 of 4 stars; one submission).

gnomAD v4.1: 20 of 1,613,398 alleles (0.0012%); highest among the groups gnomAD compares: Admixed American, 0.0083%; no homozygotes.

Submission:

CeGaT Center for Human Genetics Tuebingen
Classification: Likely benign. Last evaluated: 2026-04-01. Review status: criteria provided, single submitter. Criteria: CeGaT Center For Human Genetics Tuebingen Variant Classification Criteria Version 2. Collection method: clinical testing. Allele origin: germline. Affected: yes. Observed: 1 variant allele.
Comment: ATP11A: BP4, BP7

NM_015205.3(ATP11A):c.2529C>T (p.Ile843=)

Gene: ATP11A (ATPase phospholipid transporting 11A; plus strand). Cytogenetic location: 13q34.
Variant type: single nucleotide variant.
Coding change: c.2529C>T on transcript NM_015205.3 (MANE Select); coding-DNA position 2529, C replaced by T.
Protein change: p.Ile843=; no amino-acid change (isoleucine 843 retained).
Molecular consequence: synonymous variant.
Genome position (GRCh38, 1-based): chr13:112,858,152, C>T. VCF-style: chr13-112858152-C-T. GRCh37 (hg19) VCF-style: chr13-113512466-C-T.
Other names: c.2529C>T, p.Ile843= (NM_032189.4, NM_001405661.1, NM_001405662.1 and 1 more transcripts).
Identifiers: ClinVar variation 4873192 (VCV004873192.2).
Genomic context (GRCh38, chr13:112,858,152, plus strand): 5'-TGTGTGTGGTGTGCAGAAAGCATTTCTTCAGCTCCTTCACCTCCGTCTTCTAGGTGTCAT[C>T]GGCAAGGAAGGCCGCCAGGCTGCCAGGAACAGCGACTATGCAATCCCAAAGTTTAAGCAT-3'
Protein context (NP_056020.2, residues 833-853): ILEAHVGIGV[Ile843=]GKEGRQAARN